The following is an entry in ClinVar:

ClinVar aggregate classification (germline): Uncertain significance. Review status: criteria provided, multiple submitters, no conflicts (2 of 4 stars). 3 submissions from 3 submitters: Uncertain significance (2). 1 of the submissions does not count toward it. Last evaluated 2023-12-26.

Conditions:
Hypertrophic cardiomyopathy 14. Identifiers: MedGen C2750467, MONDO:0013197, OMIM 613251.
MYH6-related disorder. Also called: MYH6-related condition; MYH6-Related Disorders.

Allele frequency attached by ClinVar (database versions not stated): gnomAD exomes below 0.00001; ExAC 0.00001.
gnomAD v4.1: 6 of 1,613,596 alleles (0.00037%); highest among the groups gnomAD compares: Non-Finnish European, 0.00051%; no homozygotes.

Submissions (3):

Labcorp Genetics (formerly Invitae), Labcorp
Classification: Uncertain significance for Hypertrophic cardiomyopathy 14. Last evaluated: 2023-12-26. Review status: criteria provided, single submitter. Criteria: Invitae Variant Classification Sherloc (09022015). Collection method: clinical testing. Allele origin: germline.
Comment: This sequence change replaces alanine, which is neutral and non-polar, with threonine, which is neutral and polar, at codon 332 of the MYH6 protein (p.Ala332Thr). This variant is present in population databases (rs765987210, gnomAD 0.0009%). This variant has not been reported in the literature in individuals affected with MYH6-related conditions. Advanced modeling of protein sequence and biophysical properties (such as structural, functional, and spatial information, amino acid conservation, physicochemical variation, residue mobility, and thermodynamic stability) performed at Invitae indicates that this missense variant is not expected to disrupt MYH6 protein function with a negative predictive value of 80%. In summary, the available evidence is currently insufficient to determine the role of this variant in disease. Therefore, it has been classified as a Variant of Uncertain Significance.

Clinical Genetics Laboratory, Skane University Hospital Lund
Classification: Uncertain significance. Last evaluated: 2022-05-27. Review status: criteria provided, single submitter. Criteria: ACMG Guidelines, 2015. Collection method: clinical testing. Allele origin: germline. Affected: yes.

PreventionGenetics, part of Exact Sciences
Classification: Uncertain significance for MYH6-related condition. Last evaluated: 2024-09-05. Review status: no assertion criteria provided. Collection method: clinical testing. Allele origin: germline. Not counted in ClinVar's aggregate classification.
Comment: The MYH6 c.994G>A variant is predicted to result in the amino acid substitution p.Ala332Thr. To our knowledge, this variant has not been reported in the literature. This variant is reported in 0.00088% of alleles in individuals of European (Non-Finnish) descent in gnomAD. At this time, the clinical significance of this variant is uncertain due to the absence of conclusive functional and genetic evidence.

NM_002471.4(MYH6):c.994G>A (p.Ala332Thr)

Gene: MYH6 (myosin heavy chain 6; minus strand). Cytogenetic location: 14q11.2.
Variant type: single nucleotide variant.
Coding change: c.994G>A on transcript NM_002471.4 (MANE Select); coding-DNA position 994, G replaced by A.
Protein change: p.Ala332Thr; replaces alanine 332 with threonine.
Molecular consequence: missense variant.
Genome position (GRCh38, 1-based): chr14:23,402,705, C>T on the plus strand (G>A on the coding strand, the complement: MYH6 is on the minus strand). VCF-style: chr14-23402705-C-T. GRCh37 (hg19) VCF-style: chr14-23871914-C-T.
Other names: short protein forms A332T.
Identifiers: ClinVar variation 2882998 (VCV002882998.5), dbSNP rs765987210, ClinGen allele CA7115953.